The following is an entry in ClinVar:

NM_006531.5(IFT88):c.1952C>T (p.Pro651Leu)

Gene: IFT88 (intraflagellar transport 88; plus strand). Cytogenetic location: 13q12.11.
Variant type: single nucleotide variant.
Coding change: c.1952C>T on transcript NM_006531.5 (MANE Select); coding-DNA position 1952, C replaced by T.
Protein change: p.Pro651Leu; replaces proline 651 with leucine.
Molecular consequence: missense variant. On other transcripts: non-coding transcript variant (5).
Genome position (GRCh38, 1-based): chr13:20,653,878, C>T. VCF-style: chr13-20653878-C-T. GRCh37 (hg19) VCF-style: chr13-21228017-C-T.
Other names: c.1895C>T, p.Pro632Leu (NM_001318491.2, NM_001353575.2); c.1979C>T, p.Pro660Leu (NM_001318493.2, NM_001353565.2, NM_001353566.2 and 2 more transcripts); c.1952C>T, p.Pro651Leu (NM_001353568.2, NM_001353572.2); c.1877C>T, p.Pro626Leu (NM_001353569.2, NM_001353570.2, NM_001353576.2 and 1 more transcripts); c.1850C>T, p.Pro617Leu (NM_001353571.2, NM_001353578.2); c.1808C>T, p.Pro603Leu (NM_001353573.2); c.1793C>T, p.Pro598Leu (NM_001353574.2); c.1319C>T, p.Pro440Leu (NM_001353579.2); short protein forms P660L, P651L, P632L, P440L, P598L, P603L, P617L, P626L.
Identifiers: ClinVar variation 2253224 (VCV002253224.5), dbSNP rs146456229, ClinGen allele CA6905597.

ClinVar aggregate classification (germline): Uncertain significance. Review status: criteria provided, multiple submitters, no conflicts (2 of 4 stars). 2 submissions from 2 submitters: Uncertain significance (2). Last evaluated 2023-12-22.

Allele frequency attached by ClinVar (database versions not stated): gnomAD exomes 0.00001; ExAC 0.00002; TOPMed 0.00008; gnomAD 0.00009; ESP Exome Variant Server 0.00015.
gnomAD v4.1: 20 of 1,567,284 alleles (0.0013%); highest among the groups gnomAD compares: African/African-American, 0.027%; no homozygotes.

Submissions (2):

Labcorp Genetics (formerly Invitae), Labcorp
Classification: Uncertain significance. Last evaluated: 2023-12-22. Review status: criteria provided, single submitter. Criteria: Invitae Variant Classification Sherloc (09022015). Collection method: clinical testing. Allele origin: germline.
Comment: This sequence change replaces proline, which is neutral and non-polar, with leucine, which is neutral and non-polar, at codon 660 of the IFT88 protein (p.Pro660Leu). This variant is present in population databases (rs146456229, gnomAD 0.02%). This variant has not been reported in the literature in individuals affected with IFT88-related conditions. ClinVar contains an entry for this variant (Variation ID: 2253224). Experimental studies and prediction algorithms are not available or were not evaluated, and the functional significance of this variant is currently unknown. In summary, the available evidence is currently insufficient to determine the role of this variant in disease. Therefore, it has been classified as a Variant of Uncertain Significance.

Ambry Genetics
Classification: Uncertain significance. Last evaluated: 2021-10-06. Review status: criteria provided, single submitter. Criteria: Ambry Variant Classification Scheme 2023. Collection method: clinical testing. Allele origin: germline.